The following is an entry in ClinVar:

ClinVar aggregate classification (germline): Uncertain significance. Review status: criteria provided, multiple submitters, no conflicts (2 of 4 stars). 2 submissions from 2 submitters: Uncertain significance (2). Last evaluated 2026-05-21.

Conditions:
Inborn genetic diseases. Identifiers: MedGen C0950123, MeSH D030342.
Spondyloenchondrodysplasia with immune dysregulation (SPENCDI). Also called: ROIFMAN IMMUNOSKELETAL SYNDROME; SPONDYLOENCHONDRODYSPLASIA WITH OR WITHOUT IMMUNE DYSREGULATION; COMBINED IMMUNODEFICIENCY WITH AUTOIMMUNITY AND SPONDYLOMETAPHYSEAL DYSPLASIA. Identifiers: Orphanet 1855, MedGen C1842763, MONDO:0011939, OMIM 607944.

Allele frequency attached by ClinVar (database versions not stated): gnomAD 0.00001; gnomAD exomes 0.00006 and 0.00003; ExAC 0.00005; TOPMed 0.00007.
gnomAD v4.1: 19 of 1,613,758 alleles (0.0012%); highest among the groups gnomAD compares: Admixed American, 0.032%; no homozygotes.

Submissions (2):

Ambry Genetics
Classification: Uncertain significance for Inborn genetic diseases. Last evaluated: 2026-05-21. Review status: criteria provided, single submitter. Criteria: Ambry Variant Classification Scheme 2023. Collection method: clinical testing. Allele origin: germline.
Comment: The c.393C>G (p.N131K) alteration is located in exon 6 (coding exon 3) of the ACP5 gene. This alteration results from a C to G substitution at nucleotide position 393, causing the asparagine (N) at amino acid position 131 to be replaced by a lysine (K). Based on data from gnomAD, the G allele has an overall frequency of 0.006% (16/250878) total alleles studied. The highest observed frequency was 0.046% (16/34578) of Latino alleles. This amino acid position is well conserved in available vertebrate species. This alteration is predicted to be tolerated by in silico analysis. Based on insufficient or conflicting evidence, the clinical significance of this alteration remains unclear.

Labcorp Genetics (formerly Invitae), Labcorp
Classification: Uncertain significance for Spondyloenchondrodysplasia with immune dysregulation. Last evaluated: 2024-07-17. Review status: criteria provided, single submitter. Criteria: Invitae Variant Classification Sherloc (09022015). Collection method: clinical testing. Allele origin: germline.
Comment: This sequence change replaces asparagine, which is neutral and polar, with lysine, which is basic and polar, at codon 131 of the ACP5 protein (p.Asn131Lys). This variant is present in population databases (rs767853623, gnomAD 0.05%). This variant has not been reported in the literature in individuals affected with ACP5-related conditions. ClinVar contains an entry for this variant (Variation ID: 1023982). Advanced modeling of protein sequence and biophysical properties (such as structural, functional, and spatial information, amino acid conservation, physicochemical variation, residue mobility, and thermodynamic stability) performed at Invitae indicates that this missense variant is not expected to disrupt ACP5 protein function with a negative predictive value of 80%. In summary, the available evidence is currently insufficient to determine the role of this variant in disease. Therefore, it has been classified as a Variant of Uncertain Significance.

NM_001611.5(ACP5):c.393C>G (p.Asn131Lys)

Gene: ACP5 (acid phosphatase 5, tartrate resistant; minus strand). Cytogenetic location: 19p13.2.
Variant type: single nucleotide variant.
Coding change: c.393C>G on transcript NM_001611.5 (MANE Select); coding-DNA position 393, C replaced by G.
Protein change: p.Asn131Lys; replaces asparagine 131 with lysine.
Molecular consequence: missense variant.
Genome position (GRCh38, 1-based): chr19:11,576,585, G>C on the plus strand (C>G on the coding strand, the complement: ACP5 is on the minus strand). VCF-style: chr19-11576585-G-C. GRCh37 (hg19) VCF-style: chr19-11687400-G-C.
Other names: c.393C>G (NM_001111035.1); c.393C>G, p.Asn131Lys (NM_001111034.3, NM_001111035.3, NM_001111036.3 and 1 more transcripts); short protein forms N131K.
Identifiers: ClinVar variation 1023982 (VCV001023982.9), dbSNP rs767853623, ClinGen allele CA9215415.
Genomic context (GRCh38, chr19:11,576,585, plus strand): 5'-GGCCACAGACACATTGGTCTGTGGGATCTTGAAGTGCAGGCGGTAGAAAGGGCTGGGGAA[G>C]TTCCTGTGGAGGGGATAGAGGTCGTGGGTGCACATCTTGGGCGCAGAAGTCCCAGGGTCA-3'
Protein context (NP_001602.1, residues 121-141): IAYSKISKRW[Asn131Lys]FPSPFYRLHF